The following is an entry in ClinVar:

ClinVar aggregate classification (germline): Pathogenic (1 of 4 stars; one submission).

Conditions:
DICER1-related tumor predisposition. Also called: DICER1-related pleuropulmonary blastoma cancer predisposition syndrome; DICER1 syndrome. Identifiers: Orphanet 284343, MedGen C3839822, MONDO:0100216.

Submission:

Foulkes Cancer Genetics LDI, Lady Davis Institute for Medical Research
Classification: Pathogenic for Pleuropulmonary blastoma. Last evaluated: 2019-07-01. Review status: criteria provided, single submitter. Criteria: ACMG Guidelines, 2015. Collection method: curation. Allele origin: germline. Affected: yes. Observed: 1 variant allele.
Comment: ACMG criteria met: PVS1, PM2, PP4

Literature cited by the submitters: PubMed 27036314.

NM_177438.3(DICER1):c.2450del (p.Pro817fs)

Gene: DICER1 (dicer 1, ribonuclease III; minus strand). Cytogenetic location: 14q32.13.
Variant type: Deletion.
Coding change: c.2450del on transcript NM_177438.3 (MANE Select); coding-DNA position 2450, one base deleted (C; older notation c.2450delC).
Protein change: p.Pro817fs; shifts the reading frame from proline 817.
Molecular consequence: frameshift variant.
Genome position (GRCh38, 1-based): chr14:95,108,080, G deleted on the plus strand (C on the coding strand, the reverse complement: DICER1 is on the minus strand); the first of 2 consecutive G bases (chr14:95,108,080-95,108,081); deleting either gives the same sequence. VCF-style (leftmost placement, unchanged base first): chr14-95108079-AG-A. GRCh37 (hg19) VCF-style: chr14-95574416-AG-A.
Other names: c.2450del, p.Pro817fs (NM_001195573.1, NM_001271282.3, NM_001291628.2 and 1 more transcripts); short protein forms P817fs.
Identifiers: ClinVar variation 933017 (VCV000933017.3), dbSNP rs1891613678, ClinGen allele CA1139663657.